The following is an entry in ClinVar:

ClinVar aggregate classification (germline): Uncertain significance (1 of 4 stars; one submission).

Conditions:
BBS9-related disorder. Also called: BBS9-related condition.

Submission:

PreventionGenetics, part of Exact Sciences
Classification: Uncertain significance for BBS9-related condition. Last evaluated: 2025-03-03. Review status: criteria provided, single submitter. Criteria: ACMG Guidelines, 2015. Collection method: clinical testing. Allele origin: germline.
Comment: The BBS9 c.2677C>A variant is predicted to result in the amino acid substitution p.Pro893Thr. To our knowledge, this variant has not been reported in the literature or in a large population database (gnomAD), indicating this variant is rare. At this time, the clinical significance of this variant is uncertain due to the absence of conclusive functional and genetic evidence.

NM_001348041.4(BBS9):c.2677C>A (p.Pro893Thr)

Gene: BBS9 (Bardet-Biedl syndrome 9; plus strand). Cytogenetic location: 7p14.3.
Variant type: single nucleotide variant.
Coding change: c.2677C>A on transcript NM_001348041.4; coding-DNA position 2677, C replaced by A.
Protein change: p.Pro893Thr; replaces proline 893 with threonine.
Molecular consequence: missense variant.
Genome position (GRCh38, 1-based): chr7:33,635,221, C>A. VCF-style: chr7-33635221-C-A. GRCh37 (hg19) VCF-style: chr7-33674833-C-A.
Other names: c.2566C>A, p.Pro856Thr (NM_001362679.1); short protein forms P893T, P856T.
Identifiers: ClinVar variation 4983193 (VCV004983193.1).